The following is an entry in ClinVar:

ClinVar aggregate classification (germline): Uncertain significance. Review status: criteria provided, multiple submitters, no conflicts (2 of 4 stars). 2 submissions from 2 submitters: Uncertain significance (2). Last evaluated 2025-07-03.

Conditions:
Arrhythmogenic right ventricular dysplasia 13. Also called: ARRHYTHMOGENIC RIGHT VENTRICULAR CARDIOMYOPATHY 13; Arrhythmogenic right ventricular dysplasia, familial, 13. Identifiers: MedGen C3810138, MONDO:0000908, OMIM 615616.

Allele frequency attached by ClinVar (database versions not stated): gnomAD 0.00001; TOPMed 0.00001; gnomAD exomes 0.00005; ESP Exome Variant Server 0.00008.
gnomAD v4.1: 68 of 1,613,970 alleles (0.0042%); highest among the groups gnomAD compares: Non-Finnish European, 0.0055%; no homozygotes.

Submissions (2):

Labcorp Genetics (formerly Invitae), Labcorp
Classification: Uncertain significance for Arrhythmogenic right ventricular dysplasia 13. Last evaluated: 2025-07-03. Review status: criteria provided, single submitter. Criteria: Invitae Variant Classification Sherloc (09022015). Collection method: clinical testing. Allele origin: germline.
Comment: This sequence change replaces glycine, which is neutral and non-polar, with glutamic acid, which is acidic and polar, at codon 561 of the CTNNA3 protein (p.Gly561Glu). This variant is present in population databases (rs374844431, gnomAD 0.0009%). This variant has not been reported in the literature in individuals affected with CTNNA3-related conditions. ClinVar contains an entry for this variant (Variation ID: 1777939). Invitae Evidence Modeling of protein sequence and biophysical properties (such as structural, functional, and spatial information, amino acid conservation, physicochemical variation, residue mobility, and thermodynamic stability) indicates that this missense variant is not expected to disrupt CTNNA3 protein function with a negative predictive value of 80%. In summary, the available evidence is currently insufficient to determine the role of this variant in disease. Therefore, it has been classified as a Variant of Uncertain Significance.

Ambry Genetics
Classification: Uncertain significance. Last evaluated: 2023-11-10. Review status: criteria provided, single submitter. Criteria: Ambry Variant Classification Scheme 2023. Collection method: clinical testing. Allele origin: germline.
Comment: The p.G561E variant (also known as c.1682G>A), located in coding exon 11 of the CTNNA3 gene, results from a G to A substitution at nucleotide position 1682. The glycine at codon 561 is replaced by glutamic acid, an amino acid with similar properties. This amino acid position is conserved. In addition, the in silico prediction for this alteration is inconclusive. Since supporting evidence is limited at this time, the clinical significance of this alteration remains unclear.

NM_013266.4(CTNNA3):c.1682G>A (p.Gly561Glu)

Gene: CTNNA3 (catenin alpha 3; minus strand). Cytogenetic location: 10q21.3.
Variant type: single nucleotide variant.
Coding change: c.1682G>A on transcript NM_013266.4 (MANE Select); coding-DNA position 1682, G replaced by A.
Protein change: p.Gly561Glu; replaces glycine 561 with glutamic acid.
Molecular consequence: missense variant.
Genome position (GRCh38, 1-based): chr10:66,379,202, C>T on the plus strand (G>A on the coding strand, the complement: CTNNA3 is on the minus strand). VCF-style: chr10-66379202-C-T. GRCh37 (hg19) VCF-style: chr10-68138960-C-T.
Other names: c.1682G>A, p.Gly561Glu (NM_001127384.3); short protein forms G561E.
Identifiers: ClinVar variation 1777939 (VCV001777939.3), dbSNP rs374844431, ClinGen allele CA209003229.